The following is an entry in ClinVar:

NM_000091.5(COL4A3):c.1984G>A (p.Gly662Arg)

Genes: COL4A3 (collagen type IV alpha 3 chain; plus strand), MFF-DT (MFF divergent transcript; minus strand). Cytogenetic location: 2q36.3.
Variant type: single nucleotide variant.
Coding change: c.1984G>A on transcript NM_000091.5 (MANE Select); coding-DNA position 1984, G replaced by A.
Protein change: p.Gly662Arg; replaces glycine 662 with arginine.
Molecular consequence: missense variant.
Genome position (GRCh38, 1-based): chr2:227,276,441, G>A. VCF-style: chr2-227276441-G-A. GRCh37 (hg19) VCF-style: chr2-228141157-G-A.
Other names: c.1984G>A (NM_000091.4); short protein forms G662R.
Identifiers: ClinVar variation 1067692 (VCV001067692.12), dbSNP rs2106124828, ClinGen allele CA350846348.

ClinVar aggregate classification (germline): Likely pathogenic. Review status: criteria provided, multiple submitters, no conflicts (2 of 4 stars). 4 submissions from 4 submitters: Likely pathogenic (4). Last evaluated 2026-06-10.

Conditions:
Hematuria. Identifiers: MedGen C0018965, HP:0000790.
Autosomal dominant Alport syndrome (ATS3A). Also called: ALPORT SYNDROME 3A, AUTOSOMAL DOMINANT; Alport syndrome dominant type; Renal failure and sensorineural hearing loss. Identifiers: Orphanet 63, Orphanet 88918, MedGen C5882663, MONDO:0007086, OMIM 104200.
Alport syndrome. Also called: Hemorrhagic familial nephritis; Hemorrhagic hereditary nephritis; Congenital hereditary hematuria. Identifiers: Orphanet 63, MedGen C1567741, MONDO:0018965.

Submissions (4):

Women's Health and Genetics/Laboratory Corporation of America, LabCorp
Classification: Likely pathogenic for Autosomal dominant Alport syndrome. Last evaluated: 2026-06-10. Review status: criteria provided, single submitter. Criteria: LabCorp Variant Classification Summary - May 2015. Collection method: clinical testing. Allele origin: germline.
Comment: Variant summary: COL4A3 c.1984G>A (p.Gly662Arg) results in a non-conservative amino acid change in the encoded protein sequence. Algorithms developed to predict the effect of missense changes on protein structure and function all suggest that this variant is likely to be disruptive. The variant was absent in 249466 control chromosomes. c.1984G>A has been observed in heterozygous individual(s) affected with Alport Syndrome (Weber_2016, internal data). These data indicate that the variant may be associated with disease. To our knowledge, no experimental evidence demonstrating an impact on protein function has been reported. Internally validated machine learning-based Evidence Modeling of protein sequence and biophysical properties (such as structural, functional, and spatial information, amino acid conservation, physicochemical variation, residue mobility, and thermodynamic stability) indicates that this missense variant is expected to disrupt protein function with a positive predictive value of at least 95%. The following publication has been ascertained in the context of this evaluation (PMID: 26809805). ClinVar contains an entry for this variant (Variation ID: 1067692). Based on the evidence outlined above, the variant was classified as likely pathogenic.

Genetics Laboratory, Great Ormond Street Hospital NHS Foundation Trust, North Thames Genomic Laboratory Hub
Classification: Likely pathogenic for Haematuria. Last evaluated: 2026-01-26. Review status: criteria provided, single submitter. Criteria: ACGS Best Practice Guidelines for Variant Classification in Rare Disease 2024 v1.2. Collection method: clinical testing. Allele origin: germline. Affected: yes.
Comment: PS4_supporting, PM2_moderate, PP3_supporting, PM1_supporting, PP4_supporting

Natera, Inc.
Classification: Likely pathogenic for Alport syndrome. Last evaluated: 2025-08-26. Review status: criteria provided, single submitter. Criteria: Natera Variant Classification Schema (03/2026). Collection method: clinical testing. Allele origin: germline.
Comment: The c.1984G>A variant in COL4A3 is a missense variant predicted to cause substitution of glycine to arginine at amino acid 662. This variant is rare in the general population with a frequency below the threshold expected for the associated phenotype(s). This variant has been observed in affected individual(s) with monoallelic occurrence (heterozygous/hemizygous) (PMID: 26809805, 36253919). This variant is located in a functionally critical region of the protein. Computational prediction algorithms indicate this variant is likely to affect gene or protein function. Given the available evidence, this variant is classified as Likely Pathogenic.

Labcorp Genetics (formerly Invitae), Labcorp
Classification: Likely pathogenic. Last evaluated: 2020-08-21. Review status: criteria provided, single submitter. Criteria: Invitae Variant Classification Sherloc (09022015). Collection method: clinical testing. Allele origin: germline.
Comment: In summary, the currently available evidence indicates that the variant is pathogenic, but additional data are needed to prove that conclusively. Therefore, this variant has been classified as Likely Pathogenic. Advanced modeling of protein sequence and biophysical properties (such as structural, functional, and spatial information, amino acid conservation, physicochemical variation, residue mobility, and thermodynamic stability) performed at Invitae indicates that this missense variant is expected to disrupt COL4A3 protein function. This variant has been observed in individual(s) with Alport syndrome (PMID: 26809805, external communication). This variant is not present in population databases (ExAC no frequency). This sequence change replaces glycine with arginine at codon 662 of the COL4A3 protein (p.Gly662Arg). The glycine residue is highly conserved and there is a moderate physicochemical difference between glycine and arginine.

Literature cited by the submitters: PubMed 26809805 (cited by 3 submitters); PubMed 36253919 (cited by Natera, Inc.).